The following is an entry in ClinVar:

ClinVar aggregate classification (germline): Uncertain significance. Review status: criteria provided, multiple submitters, no conflicts (2 of 4 stars). 4 submissions from 4 submitters: Uncertain significance (4). Last evaluated 2025-10-07.

Conditions:
Catecholaminergic polymorphic ventricular tachycardia (CVPT). Also called: Catecholamine-induced polymorphic ventricular tachycardia. Identifiers: Orphanet 3286, MedGen C5574922, MONDO:0017990.
Cardiovascular phenotype. Identifiers: MedGen CN230736.
Catecholaminergic polymorphic ventricular tachycardia 1. Also called: VENTRICULAR TACHYCARDIA, CATECHOLAMINERGIC POLYMORPHIC, 1, WITH OR WITHOUT ATRIAL DYSFUNCTION AND/OR DILATED CARDIOMYOPATHY; RYR2-Related Catecholaminergic Polymorphic Ventricular Tachycardia; VENTRICULAR TACHYCARDIA, STRESS-INDUCED POLYMORPHIC 1. Identifiers: Orphanet 3286, MedGen C1631597, MONDO:0011484, OMIM 604772.
Cardiomyopathy (CMYO). Also called: Cardiomyopathies. Identifiers: Orphanet 167848, MedGen C0878544, MONDO:0004994, HP:0001638. Inheritance: Various modes of inheritance.

Allele frequency attached by ClinVar (database versions not stated): gnomAD exomes below 0.00001; gnomAD 0.00001.
gnomAD v4.1: 5 of 1,611,674 alleles (0.00031%); highest among the groups gnomAD compares: Non-Finnish European, 0.00042%; no homozygotes.

Submissions (4):

Labcorp Genetics (formerly Invitae), Labcorp
Classification: Uncertain significance for Catecholaminergic polymorphic ventricular tachycardia 1. Last evaluated: 2025-10-07. Review status: criteria provided, single submitter. Criteria: Invitae Variant Classification Sherloc (09022015). Collection method: clinical testing. Allele origin: germline.
Comment: This sequence change replaces valine, which is neutral and non-polar, with alanine, which is neutral and non-polar, at codon 3661 of the RYR2 protein (p.Val3661Ala). This variant is present in population databases (no rsID available, gnomAD 0.007%). This variant has not been reported in the literature in individuals affected with RYR2-related conditions. ClinVar contains an entry for this variant (Variation ID: 924987). Invitae Evidence Modeling of protein sequence and biophysical properties (such as structural, functional, and spatial information, amino acid conservation, physicochemical variation, residue mobility, and thermodynamic stability) indicates that this missense variant is not expected to disrupt RYR2 protein function with a negative predictive value of 95%. In summary, the available evidence is currently insufficient to determine the role of this variant in disease. Therefore, it has been classified as a Variant of Uncertain Significance.

Ambry Genetics
Classification: Uncertain significance for Cardiovascular phenotype. Last evaluated: 2025-01-13. Review status: criteria provided, single submitter. Criteria: Ambry Variant Classification Scheme 2023. Collection method: clinical testing. Allele origin: germline.
Comment: The p.V3661A variant (also known as c.10982T>C), located in coding exon 78 of the RYR2 gene, results from a T to C substitution at nucleotide position 10982. The valine at codon 3661 is replaced by alanine, an amino acid with similar properties. This amino acid position is well conserved in available vertebrate species. In addition, the in silico prediction for this alteration is inconclusive. Based on the available evidence, the clinical significance of this variant remains unclear.

Color Diagnostics, LLC DBA Color Health
Classification: Uncertain significance for Cardiomyopathy. Last evaluated: 2024-03-06. Review status: criteria provided, single submitter. Criteria: ACMG Guidelines, 2015. Collection method: clinical testing. Allele origin: germline.
Comment: This missense variant replaces valine with alanine at codon 3661 of the RYR2 protein. Computational prediction suggests that this variant may not impact protein structure and function (internally defined REVEL score threshold <= 0.5, PMID: 27666373). To our knowledge, functional studies have not been reported for this variant. This variant has not been reported in individuals affected with RYR2-related disorders in the literature. This variant has been identified in 1/31372 chromosomes in the general population by the Genome Aggregation Database (gnomAD). The available evidence is insufficient to determine the role of this variant in disease conclusively. Therefore, this variant is classified as a Variant of Uncertain Significance.

All of Us Research Program, National Institutes of Health
Classification: Uncertain significance for Catecholaminergic polymorphic ventricular tachycardia. Last evaluated: 2024-02-22. Review status: criteria provided, single submitter. Criteria: ACMG Guidelines, 2015. Collection method: clinical testing. Allele origin: germline. Inheritance: Autosomal dominant inheritance. Observed: 1 variant allele, 1 heterozygote.
Comment: This missense variant replaces valine with alanine at codon 3661 of the RYR2 protein. Computational prediction suggests that this variant may not impact protein structure and function (internally defined REVEL score threshold <= 0.5, PMID: 27666373). Splice site prediction tools suggest that this variant may not impact RNA splicing. To our knowledge, functional studies have not been performed for this variant. This variant has not been reported in individuals affected with cardiovascular disorders in the literature. This variant has been identified in 1/31372 chromosomes in the general population by the Genome Aggregation Database (gnomAD). The available evidence is insufficient to determine the role of this variant in disease conclusively. Therefore, this variant is classified as a Variant of Uncertain Significance.

This study involves interpretation of variants in research participants for the purpose of population health screening. Participant phenotype was not available at the time of variant classification. Additional details can be found in publication PMID: 35346344, PMCID: PMC8962531

NM_001035.3(RYR2):c.10982T>C (p.Val3661Ala)

Gene: RYR2 (ryanodine receptor 2; plus strand). Cytogenetic location: 1q43.
Variant type: single nucleotide variant.
Coding change: c.10982T>C on transcript NM_001035.3 (MANE Select); coding-DNA position 10982, T replaced by C.
Protein change: p.Val3661Ala; replaces valine 3661 with alanine.
Molecular consequence: missense variant.
Genome position (GRCh38, 1-based): chr1:237,732,092, T>C. VCF-style: chr1-237732092-T-C. GRCh37 (hg19) VCF-style: chr1-237895392-T-C.
Other names: short protein forms V3661A.
Identifiers: ClinVar variation 924987 (VCV000924987.17), dbSNP rs1163500187, ClinGen allele CA345419007.